The following is an entry in ClinVar:

NM_001009944.3(PKD1):c.8749del (p.Ala2917fs)

Gene: PKD1 (polycystin 1, transient receptor potential channel interacting; minus strand). Cytogenetic location: 16p13.3.
Variant type: Deletion.
Coding change: c.8749del on transcript NM_001009944.3 (MANE Select); coding-DNA position 8749, one base deleted (G; older notation c.8749delG).
Protein change: p.Ala2917fs; shifts the reading frame from alanine 2917.
Molecular consequence: frameshift variant.
Genome position (GRCh38, 1-based): chr16:2,103,308, C deleted on the plus strand (G on the coding strand, the reverse complement: PKD1 is on the minus strand). VCF-style (leftmost placement, unchanged base first): chr16-2103307-GC-G. GRCh37 (hg19) VCF-style: chr16-2153308-GC-G.
Other names: c.8749del, p.Ala2917fs (NM_000296.4); short protein forms A2917fs.
Identifiers: ClinVar variation 997277 (VCV000997277.1), dbSNP rs2092179583, ClinGen allele CA2202020876.
Genomic context (GRCh38, chr16:2,103,307, plus strand): 5'-CCCCACCCGCTGCACGCACCGTCCAGCAGCGTATAGTTGAGCTGCAGATGCAGCCCGGCC[GC>G]AGGGTTGCTGCTGTCCAGGGTGACCACAGCACCGACGGAGGCCTGGGGCTGGACCACAAC-3'

ClinVar aggregate classification (germline): Pathogenic (0 of 4 stars; one submission).

Conditions:
Polycystic kidney disease. Also called: Polycystic kidney dysplasia; Kidney, Polycystic. Identifiers: MedGen C0022680, MeSH D007690, MONDO:0020642, HP:0000113.

Submission:

Department of Pathology and Laboratory Medicine, Sinai Health System
Classification: Pathogenic for Polycystic Kidney disease. Review status: no assertion criteria provided. Collection method: clinical testing. Allele origin: unknown. Affected: yes. Observed: 1 variant allele. Study: The Canadian Open Genetics Repository (COGR).
Comment: The PKD1 p.Ala2917ArgfsX77 variant was not identified in the literature nor was it identified in the following databases: dbSNP, ClinVar, COGR, LOVD 3.0, ADPKD Mutation Database, PKD1-LOVD. The variant was not identified in the 1000 Genomes Project, the NHLBI GO Exome Sequencing Project, the Exome Aggregation Consortium (August 8th 2016) or the Genome Aggregation Consortium (Feb 27, 2017). The c.8749del variant is predicted to cause a frameshift, which alters the protein amino acid sequence beginning at codon 2917 and leads to a premature stop codon 77 codons downstream. This alteration is then predicted to result in a truncated or absent protein and loss of function. Loss of function variants of the PKD1 gene are an established mechanism of disease in autosomal dominant polycystic kidney disease and is the type of variant expected to cause the disorder. In summary, based on the above information this variant meets our laboratoryâ€šÃ„Ã´s criteria to be classified as pathogenic.